The following is an entry in ClinVar:

NM_003888.4(ALDH1A2):c.735G>A (p.Thr245=)

Gene: ALDH1A2 (aldehyde dehydrogenase 1 family member A2; minus strand). Cytogenetic location: 15q21.3.
Variant type: single nucleotide variant.
Coding change: c.735G>A on transcript NM_003888.4 (MANE Select); coding-DNA position 735, G replaced by A.
Protein change: p.Thr245=; no amino-acid change (threonine 245 retained).
Molecular consequence: synonymous variant. On other transcripts: intron variant (1).
Genome position (GRCh38, 1-based): chr15:57,992,768, C>T on the plus strand (G>A on the coding strand, the complement: ALDH1A2 is on the minus strand). VCF-style: chr15-57992768-C-T. GRCh37 (hg19) VCF-style: chr15-58284966-C-T.
Other names: c.672G>A, p.Thr224= (NM_001206897.2); c.447G>A, p.Thr149= (NM_170697.3); c.684+177G>A (NM_170696.3).
Identifiers: ClinVar variation 3039115 (VCV003039115.2), dbSNP rs144628261, ClinGen allele CA7583976.
Genomic context (GRCh38, chr15:57,992,768, plus strand): 5'-AGTAGACCCTGTGAATGCAATCTTGTCTATGCCAATGTGAGAAGCTATTGCTGCCCCAGC[C>T]GTTGGCCCATATCCTGGCAAAATATTGATGACCCCGGGAGGAAAGCCAGCCTAAGAAAAC-3'
Protein context (NP_003879.2, residues 235-255): VINILPGYGP[Thr245=]AGAAIASHIG

ClinVar aggregate classification (germline): Benign (0 of 4 stars; one submission).

Conditions:
ALDH1A2-related disorder. Also called: ALDH1A2-related condition.

Allele frequency attached by ClinVar (database versions not stated): TOPMed 0.00010; gnomAD 0.00044; gnomAD exomes 0.00082; ExAC 0.00189; 1000 Genomes Project 30x 0.00265; 1000 Genomes Project 0.00319.
gnomAD v4.1: 1,279 of 1,614,114 alleles (0.079%); highest among the groups gnomAD compares: South Asian, 1.3%; 12 homozygotes.

Submission:

PreventionGenetics, part of Exact Sciences
Classification: Benign for ALDH1A2-related condition. Last evaluated: 2019-05-20. Review status: no assertion criteria provided. Collection method: clinical testing. Allele origin: germline.
Comment: This variant is classified as benign based on ACMG/AMP sequence variant interpretation guidelines (Richards et al. 2015 PMID: 25741868, with internal and published modifications).